The following is an entry in ClinVar:

NC_012920.1(MT-TL2):m.12295T>C

Gene: MT-TL2 (mitochondrially encoded tRNA leucine 2 (CUN); plus strand).
Variant type: single nucleotide variant.
Genome position: chrM-12295-T-C.
Identifiers: ClinVar variation 690190 (VCV000690190.1), dbSNP rs1603223656, ClinGen allele CA913170015.

ClinVar aggregate classification (germline): Benign (1 of 4 stars; one submission).

Conditions:
MELAS syndrome (MELAS). Also called: Juvenile myopathy, encephalopathy, lactic acidosis, stroke. Identifiers: Orphanet 550, MedGen C0162671, MONDO:0010789, OMIM 540000.

Submission:

Wong Mito Lab, Molecular and Human Genetics, Baylor College of Medicine
Classification: Benign for MELAS syndrome. Last evaluated: 2019-07-12. Review status: criteria provided, single submitter. Criteria: Modified ACMG Guidelines (Unpublished). Collection method: clinical testing. Allele origin: germline.
Comment: The NC_012920.1:m.12295T>C variant in MT-TL2 gene is interpreted to be a Benign variant based on the modified ACMG guidelines (unpublished). This variant meets the following evidence codes reported in the guidelines: BS1, BS4, BP4

Literature cited by the submitters: PubMed 31965079.